The following is an entry in ClinVar:

ClinVar aggregate classification (germline): Uncertain significance. Review status: criteria provided, multiple submitters, no conflicts (2 of 4 stars). 2 submissions from 2 submitters: Uncertain significance (2). Last evaluated 2025-11-27.

Conditions:
Inborn genetic diseases. Identifiers: MedGen C0950123, MeSH D030342.
Fetal akinesia deformation sequence 1 (FADS1). Also called: Fetal akinesia sequence; Pena-Shokeir syndrome type I. Identifiers: Orphanet 994, MedGen C1276035, MONDO:0100101, OMIM 208150, HP:0001989.
Congenital myasthenic syndrome 10. Also called: Myasthenia, limb-girdle, familial. Identifiers: Orphanet 590, MedGen C1850792, MONDO:0009690, OMIM 254300.

Allele frequency attached by ClinVar (database versions not stated): gnomAD exomes 0.00002; ExAC 0.00007.
gnomAD v4.1: 10 of 1,583,558 alleles (0.00063%); highest among the groups gnomAD compares: Non-Finnish European, 0.00077%; no homozygotes.

Submissions (2):

Labcorp Genetics (formerly Invitae), Labcorp
Classification: Uncertain significance for Congenital myasthenic syndrome 10; Fetal akinesia deformation sequence 1. Last evaluated: 2025-11-27. Review status: criteria provided, single submitter. Criteria: Invitae Variant Classification Sherloc (09022015). Collection method: clinical testing. Allele origin: germline.
Comment: This sequence change replaces glutamine, which is neutral and polar, with arginine, which is basic and polar, at codon 305 of the DOK7 protein (p.Gln305Arg). This variant is present in population databases (rs747816956, gnomAD 0.004%). This variant has not been reported in the literature in individuals affected with DOK7-related conditions. ClinVar contains an entry for this variant (Variation ID: 534125). Invitae Evidence Modeling of protein sequence and biophysical properties (such as structural, functional, and spatial information, amino acid conservation, physicochemical variation, residue mobility, and thermodynamic stability) indicates that this missense variant is not expected to disrupt DOK7 protein function with a negative predictive value of 80%. In summary, the available evidence is currently insufficient to determine the role of this variant in disease. Therefore, it has been classified as a Variant of Uncertain Significance.

Ambry Genetics
Classification: Uncertain significance for Inborn genetic diseases. Last evaluated: 2025-10-02. Review status: criteria provided, single submitter. Criteria: Ambry Variant Classification Scheme 2023. Collection method: clinical testing. Allele origin: germline.

NM_173660.5(DOK7):c.914A>G (p.Gln305Arg)

Gene: DOK7 (docking protein 7; plus strand). Cytogenetic location: 4p16.3.
Variant type: single nucleotide variant.
Coding change: c.914A>G on transcript NM_173660.5 (MANE Select); coding-DNA position 914, A replaced by G.
Protein change: p.Gln305Arg; replaces glutamine 305 with arginine.
Molecular consequence: missense variant. On other transcripts: 3 prime UTR variant (1), 5 prime UTR variant (1).
Genome position (GRCh38, 1-based): chr4:3,492,900, A>G. VCF-style: chr4-3492900-A-G. GRCh37 (hg19) VCF-style: chr4-3494627-A-G.
Other names: c.*135A>G (NM_001164673.2); c.-17A>G (NM_001256896.2); c.914A>G, p.Gln305Arg (NM_001301071.2); c.482A>G, p.Gln161Arg (NM_001363811.2); short protein forms Q305R, Q161R.
Identifiers: ClinVar variation 534125 (VCV000534125.10), dbSNP rs747816956, ClinGen allele CA2829284.